The following is an entry in ClinVar:

ClinVar aggregate classification (germline): Pathogenic (1 of 4 stars; one submission).

Conditions:
Classic homocystinuria. Also called: Homocystinuria due to Cystathionine Beta-Synthase Deficiency; HOMOCYSTINURIA WITH OR WITHOUT RESPONSE TO PYRIDOXINE; Homocystinuria due to CBS deficiency; Cystathionine beta-synthase deficiency; CBS deficiency. Identifiers: Orphanet 394, MedGen C0751202, MONDO:0009352, OMIM 236200.

Submission:

Laboratory for Molecular Medicine, Mass General Brigham Personalized Medicine
Classification: Pathogenic for Classic homocystinuria. Last evaluated: 2022-06-30. Review status: criteria provided, single submitter. Criteria: ACMG Guidelines, 2015. Collection method: clinical testing. Allele origin: germline.
Comment: The c.452-2A>C variant in CBS has been reported in one individual with classic homocystinuria in compound heterozygosity with a pathogenic variant (Sarov 2014 PMID 24169224). The variant was absent from large population studies. This variant occurs within the canonical splice site (+/- 1,2) and is predicted to cause altered splicing leading to an abnormal or absent protein. Loss of function of the CBS gene is an established disease mechanism in autosomal recessive homocystinuria. In summary, this variant meets criteria to be classified as pathogenic for autosomal recessive classic homocystinuria. ACMG/AMP criteria applied: PVS1, PM3, PM2_Supporting.

NM_000071.3(CBS):c.452-2A>C

Gene: CBS (cystathionine beta-synthase; minus strand). Cytogenetic location: 21q22.3.
Variant type: single nucleotide variant.
Coding change: c.452-2A>C on transcript NM_000071.3 (MANE Select); the canonical splice acceptor site of the intron before coding-DNA position 452, A replaced by C.
Molecular consequence: splice acceptor variant.
Genome position (GRCh38, 1-based): chr21:43,065,697, T>G on the plus strand (A>C on the coding strand, the complement: CBS is on the minus strand). VCF-style: chr21-43065697-T-G. GRCh37 (hg19) VCF-style: chr21-44485807-T-G.
Other names: c.452-2A>C (NM_001320298.2, NM_001178009.3, NM_001178008.3); c.137-2A>C (NM_001321072.1).
Identifiers: ClinVar variation 3075862 (VCV003075862.1), dbSNP rs2517448132, ClinGen allele CA410601550.